The following is an entry in ClinVar:

NM_024426.6(WT1):c.358G>A (p.Ala120Thr)

Genes: WT1 (WT1 transcription factor; minus strand), LOC107982234 (WT1/WT1-AS bi-directional promoter region; plus strand). Cytogenetic location: 11p13.
Variant type: single nucleotide variant.
Coding change: c.358G>A on transcript NM_024426.6 (MANE Select); coding-DNA position 358, G replaced by A.
Protein change: p.Ala120Thr; replaces alanine 120 with threonine.
Molecular consequence: missense variant. On other transcripts: non-coding transcript variant (1).
Genome position (GRCh38, 1-based): chr11:32,435,003, C>T on the plus strand (G>A on the coding strand, the complement: WT1 is on the minus strand). VCF-style: chr11-32435003-C-T. GRCh37 (hg19) VCF-style: chr11-32456549-C-T.
Other names: c.358G>A, p.Ala120Thr (NM_000378.6, NM_024424.5); short protein forms A120T.
Identifiers: ClinVar variation 651615 (VCV000651615.12), dbSNP rs1590410151, ClinGen allele CA379965859.

ClinVar aggregate classification (germline): Uncertain significance. Review status: criteria provided, multiple submitters, no conflicts (2 of 4 stars). 4 submissions from 4 submitters: Uncertain significance (4). Last evaluated 2026-04-02.

Conditions:
Drash syndrome (DDS). Also called: NEPHROPATHY, WILMS TUMOR, AND GENITAL ANOMALIES; WILMS TUMOR AND PSEUDO- OR TRUE HERMAPHRODITISM. Identifiers: Orphanet 220, MedGen C0950121, MONDO:0008682, OMIM 194080.
Frasier syndrome. Identifiers: Orphanet 347, MedGen C0950122, MeSH D052159, MONDO:0007635, OMIM 136680.
Wilms tumor 1 (WT1). Also called: Wilms tumor, somatic. Identifiers: Orphanet 654, MedGen CN033288, MONDO:0008679, OMIM 194070.
11p partial monosomy syndrome (WAGR). Also called: WAGR syndrome; WAGR Spectrum Disorder; WAGR Complex; CHROMOSOME 11p13 DELETION SYNDROME. Identifiers: Orphanet 893, MedGen C0206115, MONDO:0008681, OMIM 194072.
Inborn genetic diseases. Identifiers: MedGen C0950123, MeSH D030342.

Allele frequency attached by ClinVar (database versions not stated): TOPMed below 0.00001; gnomAD exomes below 0.00001.
gnomAD v4.1: 1 of 1,493,106 alleles (0.000067%); highest among the groups gnomAD compares: South Asian, 0.0013%; no homozygotes.

Submissions (4):

Ambry Genetics
Classification: Uncertain significance for Inborn genetic diseases. Last evaluated: 2026-04-02. Review status: criteria provided, single submitter. Criteria: Ambry Variant Classification Scheme 2023. Collection method: clinical testing. Allele origin: germline.
Comment: The p.A115T variant (also known as c.343G>A), located in coding exon 1 of the WT1 gene, results from a G to A substitution at nucleotide position 343. The alanine at codon 115 is replaced by threonine, an amino acid with similar properties. This amino acid position is conserved. In addition, this alteration is predicted to be tolerated by in silico analysis. Based on the available evidence, the clinical significance of this variant remains unclear.

Labcorp Genetics (formerly Invitae), Labcorp
Classification: Uncertain significance for Wilms tumor 1; Drash syndrome; 11p partial monosomy syndrome; Frasier syndrome. Last evaluated: 2024-06-03. Review status: criteria provided, single submitter. Criteria: Invitae Variant Classification Sherloc (09022015). Collection method: clinical testing. Allele origin: germline.
Comment: This sequence change replaces alanine, which is neutral and non-polar, with threonine, which is neutral and polar, at codon 115 of the WT1 protein (p.Ala115Thr). This variant is not present in population databases (gnomAD no frequency). This variant has not been reported in the literature in individuals affected with WT1-related conditions. ClinVar contains an entry for this variant (Variation ID: 651615). An algorithm developed to predict the effect of missense changes on protein structure and function (PolyPhen-2) suggests that this variant is likely to be tolerated. In summary, the available evidence is currently insufficient to determine the role of this variant in disease. Therefore, it has been classified as a Variant of Uncertain Significance.

All of Us Research Program, National Institutes of Health
Classification: Uncertain significance for Wilms tumor 1. Last evaluated: 2023-05-16. Review status: criteria provided, single submitter. Criteria: ACMG Guidelines, 2015. Collection method: clinical testing. Allele origin: germline. Inheritance: Autosomal dominant inheritance. Observed: 1 variant allele, 1 heterozygote.
Comment: This missense variant replaces alanine with threonine at codon 115 of the WT1 protein. Computational prediction suggests that this variant may not impact protein structure and function (internally defined REVEL score threshold <= 0.5, PMID: 27666373). To our knowledge, functional studies have not been reported for this variant. This variant has not been reported in individuals affected with WT1-related disorders in the literature. This variant has not been identified in the general population by the Genome Aggregation Database (gnomAD). The available evidence is insufficient to determine the role of this variant in disease conclusively. Therefore, this variant is classified as a Variant of Uncertain Significance.

This study involves interpretation of variants in research participants for the purpose of population health screening. Participant phenotype was not available at the time of variant classification. Additional details can be found in publication PMID: 35346344, PMCID: PMC8962531

GeneDx
Classification: Uncertain significance. Last evaluated: 2023-03-01. Review status: criteria provided, single submitter. Criteria: GeneDx Variant Classification Process June 2021. Collection method: clinical testing. Allele origin: germline. Affected: yes.
Comment: Not observed at significant frequency in large population cohorts (gnomAD); In silico analysis supports that this missense variant does not alter protein structure/function; Has not been previously published as pathogenic or benign to our knowledge; This variant is associated with the following publications: (PMID: 8486616)